The following is an entry in ClinVar:

ClinVar aggregate classification (germline): Uncertain significance (1 of 4 stars; one submission).

Conditions:
Inborn genetic diseases. Identifiers: MedGen C0950123, MeSH D030342.

Submission:

Ambry Genetics
Classification: Uncertain significance for Inborn genetic diseases. Last evaluated: 2024-09-09. Review status: criteria provided, single submitter. Criteria: Ambry Variant Classification Scheme 2023. Collection method: clinical testing. Allele origin: germline.
Comment: The p.A419S variant (also known as c.1255G>T), located in coding exon 10 of the ACD gene, results from a G to T substitution at nucleotide position 1255. The alanine at codon 419 is replaced by serine, an amino acid with similar properties. This amino acid position is conserved. In addition, this alteration is predicted to be tolerated by in silico analysis. Based on the available evidence, the clinical significance of this variant remains unclear.

NM_001082486.2(ACD):c.997G>T (p.Ala333Ser)

Gene: ACD (ACD shelterin complex subunit and telomerase recruitment factor; minus strand). Cytogenetic location: 16q22.1.
Variant type: single nucleotide variant.
Coding change: c.997G>T on transcript NM_001082486.2 (MANE Select); coding-DNA position 997, G replaced by T.
Protein change: p.Ala333Ser; replaces alanine 333 with serine.
Molecular consequence: missense variant.
Genome position (GRCh38, 1-based): chr16:67,658,195, C>A on the plus strand (G>T on the coding strand, the complement: ACD is on the minus strand). VCF-style: chr16-67658195-C-A. GRCh37 (hg19) VCF-style: chr16-67692098-C-A.
Other names: c.910G>T, p.Ala304Ser (NM_001410884.1); c.988G>T, p.Ala330Ser (NM_022914.3); short protein forms A304S, A330S, A333S.
Identifiers: ClinVar variation 3479825 (VCV003479825.1).